The following is an entry in ClinVar:

NM_003791.4(MBTPS1):c.1783-3T>C

Gene: MBTPS1 (membrane bound transcription factor peptidase, site 1; minus strand). Cytogenetic location: 16q23.3.
Variant type: single nucleotide variant.
Coding change: c.1783-3T>C on transcript NM_003791.4 (MANE Select); 3 bases into the intron before coding-DNA position 1783, T replaced by C.
Molecular consequence: intron variant.
Genome position (GRCh38, 1-based): chr16:84,070,041, A>G on the plus strand (T>C on the coding strand, the complement: MBTPS1 is on the minus strand). VCF-style: chr16-84070041-A-G. GRCh37 (hg19) VCF-style: chr16-84103646-A-G.
Other names: c.1783-3T>C (NM_003791.3).
Identifiers: ClinVar variation 1583480 (VCV001583480.33), dbSNP rs191294303, ClinGen allele CA8201160.

ClinVar aggregate classification (germline): Benign/Likely benign. Review status: criteria provided, multiple submitters, no conflicts (2 of 4 stars). 3 submissions from 3 submitters: Benign (1); Likely benign (1). 1 of the submissions does not count toward it. Last evaluated 2026-09-01.

Conditions:
MBTPS1-related disorder. Also called: MBTPS1-related condition.

Allele frequency attached by ClinVar (database versions not stated): 1000 Genomes Project 0.00080; 1000 Genomes Project 30x 0.00094; TOPMed 0.00207; ESP Exome Variant Server 0.00246; gnomAD 0.00304 and 0.00312; gnomAD exomes 0.00345 and 0.00467; ExAC 0.00458.
gnomAD v4.1: 5,065 of 1,489,692 alleles (0.34%); highest among the groups gnomAD compares: Non-Finnish European, 0.33%; 22 homozygotes.

Submissions (3):

CeGaT Center for Human Genetics Tuebingen
Classification: Likely benign. Last evaluated: 2026-09-01. Review status: criteria provided, single submitter. Criteria: CeGaT Center For Human Genetics Tuebingen Variant Classification Criteria Version 2. Collection method: clinical testing. Allele origin: germline. Affected: yes. Observed: 3 variant alleles.
Comment: MBTPS1: BP4, BS2

Labcorp Genetics (formerly Invitae), Labcorp
Classification: Benign. Last evaluated: 2026-01-14. Review status: criteria provided, single submitter. Criteria: Invitae Variant Classification Sherloc (09022015). Collection method: clinical testing. Allele origin: germline.

PreventionGenetics, part of Exact Sciences
Classification: Benign for MBTPS1-related condition. Last evaluated: 2019-10-28. Review status: no assertion criteria provided. Collection method: clinical testing. Allele origin: germline. Not counted in ClinVar's aggregate classification.
Comment: This variant is classified as benign based on ACMG/AMP sequence variant interpretation guidelines (Richards et al. 2015 PMID: 25741868, with internal and published modifications).